The following is an entry in ClinVar:

NM_005148.4(UNC119):c.234C>T (p.Ser78=)

Gene: UNC119 (unc-119 lipid binding chaperone; minus strand). Cytogenetic location: 17q11.2.
Variant type: single nucleotide variant.
Coding change: c.234C>T on transcript NM_005148.4 (MANE Select); coding-DNA position 234, C replaced by T.
Protein change: p.Ser78=; no amino-acid change (serine 78 retained).
Molecular consequence: synonymous variant. On other transcripts: 5 prime UTR variant (1).
Genome position (GRCh38, 1-based): chr17:28,548,692, G>A on the plus strand (C>T on the coding strand, the complement: UNC119 is on the minus strand). VCF-style: chr17-28548692-G-A. GRCh37 (hg19) VCF-style: chr17-26875710-G-A.
Other names: c.-52C>T (NM_001330166.2); c.234C>T, p.Ser78= (NM_054035.2).
Identifiers: ClinVar variation 322469 (VCV000322469.19), dbSNP rs147732652, ClinGen allele CA8459870.

ClinVar aggregate classification (germline): Benign/Likely benign. Review status: criteria provided, multiple submitters, no conflicts (2 of 4 stars). 5 submissions from 5 submitters: Benign (2); Likely benign (1). 2 of the submissions do not count toward it. Last evaluated 2026-01-26.

Conditions:
Cone-rod dystrophy. Also called: Cone/cone-rod dystrophy; Cone-rod degeneration. Identifiers: Orphanet 1872, MedGen C4085590, MONDO:0015993, HP:0000548.

Allele frequency attached by ClinVar (database versions not stated): gnomAD 0.00018 and 0.00029; 1000 Genomes Project 0.00300; 1000 Genomes Project 30x 0.00312.
gnomAD v4.1: 443 of 1,613,980 alleles (0.027%); highest among the groups gnomAD compares: East Asian, 0.83%; 4 homozygotes.

Submissions (5):

Labcorp Genetics (formerly Invitae), Labcorp
Classification: Benign. Last evaluated: 2026-01-26. Review status: criteria provided, single submitter. Criteria: Invitae Variant Classification Sherloc (09022015). Collection method: clinical testing. Allele origin: germline.

Blueprint Genetics
Classification: Likely benign. Last evaluated: 2024-11-18. Review status: criteria provided, single submitter. Criteria: ACMG Guidelines, 2015. Collection method: clinical testing. Allele origin: germline.

Illumina Laboratory Services, Illumina
Classification: Benign for Cone-rod dystrophy. Last evaluated: 2018-01-12. Review status: criteria provided, single submitter. Criteria: ICSL Variant Classification Criteria 13 December 2019. Collection method: clinical testing. Allele origin: germline.
Comment: This variant was observed in the ICSL laboratory as part of a predisposition screen in an ostensibly healthy population. It had not been previously curated by ICSL or reported in the Human Gene Mutation Database (HGMD: prior to June 1st, 2018), and was therefore a candidate for classification through an automated scoring system. Utilizing variant allele frequency, disease prevalence and penetrance estimates, and inheritance mode, an automated score was calculated to assess if this variant is too frequent to cause the disease. Based on the score and internal cut-off values, a variant classified as benign is not then subjected to further curation. The score for this variant resulted in a classification of benign for this disease.

Clinical Genetics DNA and cytogenetics Diagnostics Lab, Erasmus MC, Erasmus Medical Center
Classification: Likely benign. Review status: no assertion criteria provided. Collection method: clinical testing. Allele origin: germline. Affected: yes. Study: VKGL Data-share Consensus. Not counted in ClinVar's aggregate classification.

Clinical Genetics, Academic Medical Center
Classification: Likely benign. Review status: no assertion criteria provided. Collection method: clinical testing. Allele origin: germline. Affected: yes. Study: VKGL Data-share Consensus. Not counted in ClinVar's aggregate classification.